The following is an entry in ClinVar:

ClinVar aggregate classification (germline): Uncertain significance (1 of 4 stars; one submission).

Conditions:
Kabuki syndrome 2 (KABUK2). Also called: KDM6A-Related Kabuki Syndrome. Identifiers: Orphanet 2322, MedGen C3275495, MONDO:0010465, OMIM 300867.

Submission:

Labcorp Genetics (formerly Invitae), Labcorp
Classification: Uncertain significance for Kabuki syndrome 2. Last evaluated: 2026-02-01. Review status: criteria provided, single submitter. Criteria: Invitae Variant Classification Sherloc (09022015). Collection method: clinical testing. Allele origin: germline.
Comment: This variant, c.3332_3334dup, results in the insertion of 1 amino acid(s) of the KDM6A protein (p.Arg1111_Val1112insGly), but otherwise preserves the integrity of the reading frame. This variant is not present in population databases (gnomAD no frequency). This variant has not been reported in the literature in individuals affected with KDM6A-related conditions. In summary, the available evidence is currently insufficient to determine the role of this variant in disease. Therefore, it has been classified as a Variant of Uncertain Significance.

NM_001291415.2(KDM6A):c.3488_3490dup (p.Arg1163_Val1164insGly)

Gene: KDM6A (lysine demethylase 6A; plus strand). Cytogenetic location: Xp11.3.
Variant type: Duplication.
Coding change: c.3488_3490dup on transcript NM_001291415.2 (MANE Select); coding-DNA positions 3488 to 3490, 3 bases duplicated (GTG; older notation c.3488_3490dupGTG).
Protein change: p.Arg1163_Val1164insGly.
Molecular consequence: inframe insertion. On other transcripts: non-coding transcript variant (1).
Genome position (GRCh38, 1-based): chrX:45,083,507-45,083,509, GTG duplicated. VCF-style (leftmost placement, unchanged base first): chrX-45083506-C-CGTG. GRCh37 (hg19) VCF-style: chrX-44942751-C-CGTG.
Other names: c.3353_3355dup, p.Arg1118_Val1119insGly (NM_001291416.2, NM_001419811.1); c.3197_3199dup, p.Arg1066_Val1067insGly (NM_001291417.2); c.3095_3097dup, p.Arg1032_Val1033insGly (NM_001291418.2, NM_001419815.1); c.2444_2446dup, p.Arg815_Val816insGly (NM_001291421.2); c.3230_3232dup, p.Arg1077_Val1078insGly (NM_001410742.1, NM_001419814.1); c.3488_3490dup, p.Arg1163_Val1164insGly (NM_001419809.1); c.3386_3388dup, p.Arg1129_Val1130insGly (NM_001419810.1, NM_001419813.1); c.3332_3334dup, p.Arg1111_Val1112insGly (NM_001419812.1, NM_021140.4).
Identifiers: ClinVar variation 4735456 (VCV004735456.1).